The following is an entry in ClinVar:

NM_017780.4(CHD7):c.7441C>G (p.Gln2481Glu)

Gene: CHD7 (chromodomain helicase DNA binding protein 7; plus strand). Cytogenetic location: 8q12.2.
Variant type: single nucleotide variant.
Coding change: c.7441C>G on transcript NM_017780.4 (MANE Select); coding-DNA position 7441, C replaced by G.
Protein change: p.Gln2481Glu; replaces glutamine 2481 with glutamic acid.
Molecular consequence: missense variant. On other transcripts: intron variant (1).
Genome position (GRCh38, 1-based): chr8:60,856,721, C>G. VCF-style: chr8-60856721-C-G. GRCh37 (hg19) VCF-style: chr8-61769280-C-G.
Other names: c.1717-5508C>G (NM_001316690.1); short protein forms Q2481E.
Identifiers: ClinVar variation 4750045 (VCV004750045.1).

ClinVar aggregate classification (germline): Uncertain significance (1 of 4 stars; one submission).

Conditions:
CHARGE syndrome (CHARGE). Also called: Hittner Hirsch Kreh syndrome; CHARGE ASSOCIATION--COLOBOMA, HEART ANOMALY, CHOANAL ATRESIA, RETARDATION, GENITAL AND EAR ANOMALIES; Coloboma, heart anomaly, choanal atresia, retardation, genital and ear anomalies; CHARGE association; Hall-Hittner syndrome. Identifiers: Orphanet 138, MedGen C0265354, MONDO:0008965.

gnomAD v4.1: 2 of 1,614,032 alleles (0.00012%); highest among the groups gnomAD compares: Non-Finnish European, 0.00017%; no homozygotes.

Submission:

Labcorp Genetics (formerly Invitae), Labcorp
Classification: Uncertain significance for CHARGE syndrome. Last evaluated: 2025-12-01. Review status: criteria provided, single submitter. Criteria: Invitae Variant Classification Sherloc (09022015). Collection method: clinical testing. Allele origin: germline.
Comment: This sequence change replaces glutamine, which is neutral and polar, with glutamic acid, which is acidic and polar, at codon 2481 of the CHD7 protein (p.Gln2481Glu). This variant is not present in population databases (gnomAD no frequency). This variant has not been reported in the literature in individuals affected with CHD7-related conditions. Invitae Evidence Modeling of protein sequence and biophysical properties (such as structural, functional, and spatial information, amino acid conservation, physicochemical variation, residue mobility, and thermodynamic stability) indicates that this missense variant is not expected to disrupt CHD7 protein function with a negative predictive value of 95%. In summary, the available evidence is currently insufficient to determine the role of this variant in disease. Therefore, it has been classified as a Variant of Uncertain Significance.